The following is an entry in ClinVar:

ClinVar aggregate classification (germline): Pathogenic (1 of 4 stars; one submission).

Conditions:
Early-onset myopathy with fatal cardiomyopathy (CMYO5). Also called: Salih Myopathy; CONGENITAL MYOPATHY 5 WITH CARDIOMYOPATHY. Identifiers: Orphanet 289377, MedGen C2673677, MONDO:0012714, OMIM 611705. Disease mechanism: loss of function.

Submission:

Mendelics
Classification: Pathogenic for Early-onset myopathy with fatal cardiomyopathy. Last evaluated: 2026-03-05. Review status: criteria provided, single submitter. Criteria: ACMG Guidelines, 2015. Collection method: clinical testing. Allele origin: unknown.
Comment: Likely pathogenic/Pathogenic according to ACMG criteria.

NM_001267550.2(TTN):c.21716_21717dup (p.Ser7240fs)

Gene: TTN (titin; minus strand). Cytogenetic location: 2q31.2.
Variant type: Duplication.
Coding change: c.21716_21717dup on transcript NM_001267550.2 (MANE Select); coding-DNA positions 21716 to 21717, 2 bases duplicated (AT; older notation c.21716_21717dupAT).
Protein change: p.Ser7240fs; shifts the reading frame from serine 7240.
Molecular consequence: frameshift variant. On other transcripts: intron variant (3).
Genome position (GRCh38, 1-based): chr2:178,723,290-178,723,291, AT duplicated on the plus strand (AT on the coding strand, the reverse complement: TTN is on the minus strand). VCF-style (leftmost placement, unchanged base first): chr2-178723289-A-AAT. GRCh37 (hg19) VCF-style: chr2-179588016-A-AAT.
Other names: c.20765_20766dup, p.Ser6923fs (NM_001256850.1); c.17984_17985dup, p.Ser5996fs (NM_133378.4); c.13282+14791_13282+14792dup (NM_003319.4); c.13858+14791_13858+14792dup (NM_133437.4); c.13657+14791_13657+14792dup (NM_133432.3); short protein forms S5996fs, S6923fs, S7240fs.
Identifiers: ClinVar variation 4813583 (VCV004813583.1).